The following is an entry in ClinVar:

ClinVar aggregate classification (germline): Uncertain significance (1 of 4 stars; one submission).

Submission:

Labcorp Genetics (formerly Invitae), Labcorp
Classification: Uncertain significance. Last evaluated: 2025-08-19. Review status: criteria provided, single submitter. Criteria: Invitae Variant Classification Sherloc (09022015). Collection method: clinical testing. Allele origin: germline.
Comment: This sequence change falls in intron 2 of the C3 gene. It does not directly change the encoded amino acid sequence of the C3 protein. It affects a nucleotide within the consensus splice site. This variant is not present in population databases (gnomAD no frequency). This variant has not been reported in the literature in individuals affected with C3-related conditions. Variants that disrupt the consensus splice site are a relatively common cause of aberrant splicing (PMID: 17576681, 9536098). Algorithms developed to predict the effect of sequence changes on RNA splicing suggest that this variant may disrupt the consensus splice site. In summary, the available evidence is currently insufficient to determine the role of this variant in disease. Therefore, it has been classified as a Variant of Uncertain Significance.

Literature cited by the submitters: PubMed 17576681; PubMed 9536098.

NM_000064.4(C3):c.268-3T>G

Gene: C3 (complement C3; minus strand). Cytogenetic location: 19p13.3.
Variant type: single nucleotide variant.
Coding change: c.268-3T>G on transcript NM_000064.4 (MANE Select); 3 bases into the intron before coding-DNA position 268, T replaced by G.
Molecular consequence: intron variant.
Genome position (GRCh38, 1-based): chr19:6,718,415, A>C on the plus strand (T>G on the coding strand, the complement: C3 is on the minus strand). VCF-style: chr19-6718415-A-C. GRCh37 (hg19) VCF-style: chr19-6718426-A-C.
Identifiers: ClinVar variation 4722214 (VCV004722214.1).
Genomic context (GRCh38, chr19:6,718,415, plus strand): 5'-GCACGGTCACGAACTTGTTGCGCCCCTTTTCTGACTTGAACTCCCTGTTGGCTGGGATCT[A>C]GGCGTGGGCAGGGCATTGTCAGGGGTCTGTTCCAAGGCCCCATGCCCACGGTCCAGCTTC-3'